The following is an entry in ClinVar:

ClinVar aggregate classification (germline): Likely pathogenic (1 of 4 stars; one submission).

Conditions:
Ehlers-Danlos syndrome due to tenascin-X deficiency (EDSCLL1). Also called: EHLERS-DANLOS SYNDROME, CLASSIC-LIKE; Ehlers-Danlos syndrome, classic-like, 1; TNX DEFICIENCY; TNXB-Related Classical-Like Ehlers-Danlos Syndrome; EDS DUE TO TNX DEFICIENCY. Identifiers: Orphanet 230839, MedGen C1848029, MONDO:0011670, OMIM 606408.

Submission:

Juno Genomics, Hangzhou Juno Genomics, Inc
Classification: Likely pathogenic for Ehlers-Danlos syndrome due to tenascin-X deficiency. Review status: criteria provided, single submitter. Criteria: ACMG Guidelines, 2015. Collection method: clinical testing. Allele origin: germline.
Comment: Null variant in a gene where loss of function (LOF) is a known mechanism of disease.;Absent from controls (or at extremely low frequency if recessive) in Genome Aggregation Database.

NM_001365276.2(TNXB):c.5139dup (p.Pro1714fs)

Gene: TNXB (tenascin XB; minus strand). Cytogenetic location: 6p21.33.
Variant type: Duplication.
Coding change: c.5139dup on transcript NM_001365276.2 (MANE Select); coding-DNA position 5139, one base duplicated (G; older notation c.5139dupG).
Protein change: p.Pro1714fs; shifts the reading frame from proline 1714.
Molecular consequence: frameshift variant.
Genome position (GRCh38, 1-based): chr6:32,070,266, C duplicated on the plus strand (G on the coding strand, the reverse complement: TNXB is on the minus strand); the first of 3 consecutive C bases (chr6:32,070,266-32,070,268); duplicating any one gives the same sequence. VCF-style (leftmost placement, unchanged base first): chr6-32070265-G-GC. GRCh37 (hg19) VCF-style: chr6-32038042-G-GC.
Other names: c.5880dup, p.Pro1961fs (NM_001428335.1); c.5139dup, p.Pro1714fs (NM_019105.8); short protein forms P1714fs, P1961fs.
Identifiers: ClinVar variation 5007027 (VCV005007027.2).